The following is an entry in ClinVar:

ClinVar aggregate classification (germline): Uncertain significance. Review status: criteria provided, multiple submitters, no conflicts (2 of 4 stars). 2 submissions from 2 submitters: Uncertain significance (2). Last evaluated 2024-08-13.

Conditions:
Cardiomyopathy (CMYO). Also called: Cardiomyopathies. Identifiers: Orphanet 167848, MedGen C0878544, MONDO:0004994, HP:0001638. Inheritance: Various modes of inheritance.
Catecholaminergic polymorphic ventricular tachycardia (CVPT). Also called: Catecholamine-induced polymorphic ventricular tachycardia. Identifiers: Orphanet 3286, MedGen C5574922, MONDO:0017990.

Allele frequency attached by ClinVar (database versions not stated): TOPMed below 0.00001; gnomAD exomes 0.00001.
gnomAD v4.1: 8 of 1,613,080 alleles (0.0005%); highest among the groups gnomAD compares: Middle Eastern, 0.049%; no homozygotes.

Submissions (2):

All of Us Research Program, National Institutes of Health
Classification: Uncertain significance for Catecholaminergic polymorphic ventricular tachycardia. Last evaluated: 2024-08-13. Review status: criteria provided, single submitter. Criteria: ACMG Guidelines, 2015. Collection method: clinical testing. Allele origin: germline. Inheritance: Autosomal dominant inheritance. Observed: 3 variant alleles, 3 heterozygotes.
Comment: This missense variant replaces serine with cysteine at codon 2687 of the RYR2 protein. Computational prediction tools and conservation analyses are inconclusive regarding the impact of this variant on protein function. Computational splicing tools suggest that this variant may not impact RNA splicing. To our knowledge, functional assays have not been performed for this variant nor has this variant been reported in individuals affected with cardiovascular disorders in the literature. This variant has been identified in 3/247222 chromosomes in the general population by the Genome Aggregation Database (gnomAD). Available evidence is insufficient to determine the role of this variant in disease conclusively. Therefore, this variant is classified as a Variant of Uncertain Significance.

This study involves interpretation of variants in research participants for the purpose of population health screening. Participant phenotype was not available at the time of variant classification. Additional details can be found in publication PMID: 35346344, PMCID: PMC8962531

Color Diagnostics, LLC DBA Color Health
Classification: Uncertain significance for Cardiomyopathy. Last evaluated: 2023-12-05. Review status: criteria provided, single submitter. Criteria: ACMG Guidelines, 2015. Collection method: clinical testing. Allele origin: germline.
Comment: This missense variant replaces serine with cysteine at codon 2687 of the RYR2 protein. Computational prediction tools and conservation analyses are inconclusive regarding the impact of this variant on protein function. Computational splicing tools suggest that this variant may not impact RNA splicing. To our knowledge, functional assays have not been performed for this variant nor has this variant been reported in individuals affected with cardiovascular disorders in the literature. This variant has been identified in 3/247222 chromosomes in the general population by the Genome Aggregation Database (gnomAD). Available evidence is insufficient to determine the role of this variant in disease conclusively. Therefore, this variant is classified as a Variant of Uncertain Significance.

NM_001035.3(RYR2):c.8059A>T (p.Ser2687Cys)

Gene: RYR2 (ryanodine receptor 2; plus strand). Cytogenetic location: 1q43.
Variant type: single nucleotide variant.
Coding change: c.8059A>T on transcript NM_001035.3 (MANE Select); coding-DNA position 8059, A replaced by T.
Protein change: p.Ser2687Cys; replaces serine 2687 with cysteine.
Molecular consequence: missense variant.
Genome position (GRCh38, 1-based): chr1:237,655,914, A>T. VCF-style: chr1-237655914-A-T. GRCh37 (hg19) VCF-style: chr1-237819214-A-T.
Other names: short protein forms S2687C.
Identifiers: ClinVar variation 923447 (VCV000923447.7), dbSNP rs1457097150, ClinGen allele CA345400929.
Genomic context (GRCh38, chr1:237,655,914, plus strand): 5'-CCTTGCCTGAGTGCAGTTGCGGGAGCTTTGCCTCCAGACTACATGGAGTCAAATTATGTC[A>T]GTATGATGGAAAAACAGTCATCAATGGATTCTGAAGGGAACTTTAACCCACAACCTGTTG-3'
Protein context (NP_001026.2, residues 2677-2697): PPDYMESNYV[Ser2687Cys]MMEKQSSMDS